The following is an entry in ClinVar:

ClinVar aggregate classification (germline): Uncertain significance. Review status: criteria provided, multiple submitters, no conflicts (2 of 4 stars). 4 submissions from 4 submitters: Uncertain significance (4). Last evaluated 2026-09-14.

Conditions:
Craniosynostosis 7 (CRS7). Also called: CRANIOSYNOSTOSIS 7, DIGENIC; CRS7, DIGENIC. Identifiers: MedGen C4479496, MONDO:0044315, OMIM 617439.
Aortic valve disease 2 (AOVD2). Identifiers: MedGen C3542024, MONDO:0013902, OMIM 614823.

Submissions (4):

GeneDx
Classification: Uncertain significance. Last evaluated: 2026-09-14. Review status: criteria provided, single submitter. Criteria: GeneDx Variant Classification Process June 2021. Collection method: clinical testing. Allele origin: germline.
Comment: Frameshift variant predicted to result in protein truncation or nonsense mediated decay in a gene for which loss of function is a known mechanism of disease; Has not been previously published as pathogenic or benign to our knowledge; This variant is associated with the following publications: (PMID: 23777631)

Dasa
Classification: Uncertain significance for Craniosynostosis 7. Last evaluated: 2025-11-01. Review status: criteria provided, single submitter. Criteria: DASA Assertion Criteria. Collection method: clinical testing. Allele origin: germline.
Comment: NM_005585.5(SMAD6):c.269del (p.Pro90Argfs*35) is a frameshift variant in SMAD6 predicted to alter the reading frame and introduce a premature termination codon. This variant is rare in population databases. The currently available literature and clinical evidence are not sufficient to establish a definitive association between this variant and the reported condition. Therefore, this variant is classified as a variant of uncertain significance.

Labcorp Genetics (formerly Invitae), Labcorp
Classification: Uncertain significance for Aortic valve disease 2. Last evaluated: 2023-05-24. Review status: criteria provided, single submitter. Criteria: Invitae Variant Classification Sherloc (09022015). Collection method: clinical testing. Allele origin: germline.
Comment: This sequence change creates a premature translational stop signal (p.Pro90Argfs*35) in the SMAD6 gene. It is expected to result in an absent or disrupted protein product. However, the current clinical and genetic evidence is not sufficient to establish whether loss-of-function variants in SMAD6 cause disease. The frequency data for this variant in the population databases is considered unreliable, as metrics indicate poor data quality at this position in the gnomAD database. This variant has not been reported in the literature in individuals affected with SMAD6-related conditions. ClinVar contains an entry for this variant (Variation ID: 1321009). In summary, the available evidence is currently insufficient to determine the role of this variant in disease. Therefore, it has been classified as a Variant of Uncertain Significance.

Department of Pathology and Laboratory Medicine, Sinai Health System
Classification: Uncertain significance for Aortic valve disease 2. Last evaluated: 2022-08-11. Review status: criteria provided, single submitter. Criteria: ACMG Guidelines, 2015. Collection method: research. Allele origin: germline.

NM_005585.5(SMAD6):c.269del (p.Pro90fs)

Gene: SMAD6 (SMAD family member 6; plus strand). Cytogenetic location: 15q22.31.
Variant type: Deletion.
Coding change: c.269del on transcript NM_005585.5 (MANE Select); coding-DNA position 269, one base deleted (C; older notation c.269delC).
Protein change: p.Pro90fs; shifts the reading frame from proline 90.
Molecular consequence: frameshift variant. On other transcripts: non-coding transcript variant (1).
Genome position (GRCh38, 1-based): chr15:66,703,527, C deleted; the last of 6 consecutive C bases (chr15:66,703,522-66,703,527); deleting any one gives the same sequence. VCF-style (leftmost placement, unchanged base first): chr15-66703521-GC-G. GRCh37 (hg19) VCF-style: chr15-66995859-GC-G.
Other names: short protein forms P90fs.
Identifiers: ClinVar variation 1321009 (VCV001321009.9), dbSNP rs1006397889, ClinGen allele CA271682790.
Genomic context (GRCh38, chr15:66,703,521, plus strand): 5'-CCCGGGACGCAGTGGGACAGCGAGGCGCCCAGGGCGCGGGGAGGCGCCGGCGCGCAGGGG[GC>G]CCCCCGAGGCCCATGTCGGAGCCAGGGGCCGGCGCTGGGAGCTCCCTGCTGGACGTGGCG-3'